The following is an entry in ClinVar:

NC_000016.9:g.(?_89849257)_(89874785_?)del

Gene: FANCA (FA complementation group A; minus strand). Cytogenetic location: 16q24.3.
Variant type: Deletion.
Identifiers: ClinVar variation 2422414 (VCV002422414.4).

ClinVar aggregate classification (germline): Pathogenic (1 of 4 stars; one submission).

Conditions:
Fanconi anemia (FA). Also called: Fanconi's anemia. Identifiers: Orphanet 84, MedGen C0015625, MeSH D005199, MONDO:0019391.

Submission:

Labcorp Genetics (formerly Invitae), Labcorp
Classification: Pathogenic for Fanconi anemia. Last evaluated: 2022-07-04. Review status: criteria provided, single submitter. Criteria: Invitae Variant Classification Sherloc (09022015). Collection method: clinical testing. Allele origin: germline.
Comment: For these reasons, this variant has been classified as Pathogenic. The region of the FANCA gene that includes exon(s) 16-17 has been determined to be clinically significant (PMID: 9711872, 17924555, 21273304, 23613520, 24689079, 29098742). Therefore, deletions that encompass that region are likely to be disease-causing. This variant has not been reported in the literature in individuals affected with FANCA-related conditions. This variant is a gross deletion of the genomic region encompassing exon(s) 6-17 of the FANCA gene. This variant would be expected to be in-frame, preserving the integrity of the reading frame.

Literature cited by the submitters: PubMed 9711872; PubMed 17924555; PubMed 21273304; PubMed 23613520; PubMed 24689079; PubMed 29098742.